The following is an entry in ClinVar:

ClinVar aggregate classification (germline): Uncertain significance. Review status: criteria provided, multiple submitters, no conflicts (2 of 4 stars). 2 submissions from 2 submitters: Uncertain significance (2). Last evaluated 2025-05-28.

Conditions:
TBX3-related disorder. Also called: TBX3-related condition.
Ulnar-mammary syndrome (UMS). Also called: SCHINZEL SYNDROME; PALLISTER ULNAR-MAMMARY SYNDROME; Ulnar-mammary syndrome of Pallister. Identifiers: Orphanet 3138, MedGen C1866994, MONDO:0008411, OMIM 181450.

Allele frequency attached by ClinVar (database versions not stated): gnomAD 0.00002; TOPMed 0.00005.

Submissions (2):

PreventionGenetics, part of Exact Sciences
Classification: Uncertain significance for TBX3-related condition. Last evaluated: 2025-05-28. Review status: criteria provided, single submitter. Criteria: ACMG Guidelines, 2015. Collection method: clinical testing. Allele origin: germline.
Comment: The TBX3 c.1564C>G variant is predicted to result in the amino acid substitution p.Pro522Ala. To our knowledge, this variant has not been reported in the literature or in a large population database (gnomAD), indicating this variant is rare. At this time, the clinical significance of this variant is uncertain due to the absence of conclusive functional and genetic evidence.

Labcorp Genetics (formerly Invitae), Labcorp
Classification: Uncertain significance for Ulnar-mammary syndrome. Last evaluated: 2022-06-28. Review status: criteria provided, single submitter. Criteria: Invitae Variant Classification Sherloc (09022015). Collection method: clinical testing. Allele origin: germline.
Comment: In summary, the available evidence is currently insufficient to determine the role of this variant in disease. Therefore, it has been classified as a Variant of Uncertain Significance. Algorithms developed to predict the effect of missense changes on protein structure and function are either unavailable or do not agree on the potential impact of this missense change (SIFT: "Deleterious"; PolyPhen-2: "Probably Damaging"; Align-GVGD: "Class C0"). This variant has not been reported in the literature in individuals affected with TBX3-related conditions. This variant is not present in population databases (gnomAD no frequency). This sequence change replaces proline, which is neutral and non-polar, with alanine, which is neutral and non-polar, at codon 502 of the TBX3 protein (p.Pro502Ala).

NM_005996.4(TBX3):c.1504C>G (p.Pro502Ala)

Gene: TBX3 (T-box transcription factor 3; minus strand). Cytogenetic location: 12q24.21.
Variant type: single nucleotide variant.
Coding change: c.1504C>G on transcript NM_005996.4 (MANE Select); coding-DNA position 1504, C replaced by G.
Protein change: p.Pro502Ala; replaces proline 502 with alanine.
Molecular consequence: missense variant.
Genome position (GRCh38, 1-based): chr12:114,674,371, G>C on the plus strand (C>G on the coding strand, the complement: TBX3 is on the minus strand). VCF-style: chr12-114674371-G-C. GRCh37 (hg19) VCF-style: chr12-115112176-G-C.
Other names: c.1564C>G, p.Pro522Ala (NM_016569.4); c.1564C>G (NM_016569.3); short protein forms P502A, P522A.
Identifiers: ClinVar variation 2183278 (VCV002183278.5), dbSNP rs899972922, ClinGen allele CA244143414.
Genomic context (GRCh38, chr12:114,674,371, plus strand): 5'-GGGGACCCATGCCAGCGGCCGCCATGCTGGAGAAGGCGCCCCCCATGGCAAACTGGCTGG[G>C]GTGCAGGAAGAGCGGGTGCCCGTTGAAGAACTGTTGGCCCGCCAGGCCCGGGGCGAAGCC-3'
Protein context (NP_005987.3, residues 492-512): FFNGHPLFLH[Pro502Ala]SQFAMGGAFS